The following is an entry in ClinVar:

NM_001371928.1(AHDC1):c.3730G>A (p.Ala1244Thr)

Gene: AHDC1 (AT-hook DNA binding motif containing 1; minus strand). Cytogenetic location: 1p36.11.
Variant type: single nucleotide variant.
Coding change: c.3730G>A on transcript NM_001371928.1 (MANE Select); coding-DNA position 3730, G replaced by A.
Protein change: p.Ala1244Thr; replaces alanine 1244 with threonine.
Molecular consequence: missense variant.
Genome position (GRCh38, 1-based): chr1:27,548,386, C>T on the plus strand (G>A on the coding strand, the complement: AHDC1 is on the minus strand). VCF-style: chr1-27548386-C-T. GRCh37 (hg19) VCF-style: chr1-27874897-C-T.
Other names: c.3730G>A, p.Ala1244Thr (NM_001029882.3); short protein forms A1244T.
Identifiers: ClinVar variation 5041896 (VCV005041896.1).
Genomic context (GRCh38, chr1:27,548,386, plus strand): 5'-GTTTGGATGGGTAGCCTGAGGCAGCGGCAGAGGCGGATGTCGGGAAGCCCAGATGTGAGG[C>T]CTCGAACAGGTCCACCTTCTTCCGCCGTCCACGGCCCGGCTTGGAGCTACTCTGAAAGAG-3'
Protein context (NP_001358857.1, residues 1234-1254): GRRKKVDLFE[Ala1244Thr]SHLGFPTSAS

ClinVar aggregate classification (germline): Likely benign (1 of 4 stars; one submission).

gnomAD v4.1: 2 of 1,607,974 alleles (0.00012%); highest among the groups gnomAD compares: Admixed American, 0.0017%; no homozygotes.

Submission:

CeGaT Center for Human Genetics Tuebingen
Classification: Likely benign. Last evaluated: 2026-08-01. Review status: criteria provided, single submitter. Criteria: CeGaT Center For Human Genetics Tuebingen Variant Classification Criteria Version 2. Collection method: clinical testing. Allele origin: germline. Affected: yes. Observed: 1 variant allele.
Comment: AHDC1: BP4